The following is an entry in ClinVar:

ClinVar aggregate classification (germline): Conflicting classifications of pathogenicity. Review status: criteria provided, conflicting classifications (1 of 4 stars). 2 submissions from 2 submitters: Uncertain significance (1); Likely benign (1). Last evaluated 2026-04-07.

Conditions:
Inborn genetic diseases. Identifiers: MedGen C0950123, MeSH D030342.

Submissions (2):

Women's Health and Genetics/Laboratory Corporation of America, LabCorp
Classification: Uncertain significance. Last evaluated: 2026-04-07. Review status: criteria provided, single submitter. Criteria: LabCorp Variant Classification Summary - May 2015. Collection method: clinical testing. Allele origin: germline.
Comment: Variant summary: POGZ c.928A>G (p.Thr310Ala) results in a non-conservative amino acid change in the encoded protein sequence. Algorithms developed to predict the effect of missense changes on protein structure and function are either unavailable or do not agree on the potential impact of this missense change. The variant allele was found at a frequency of 8e-06 in 251238 control chromosomes. The available data on variant occurrences in the general population are insufficient to allow any conclusion about variant significance. To our knowledge, no occurrence of c.928A>G in individuals affected with POGZ-related conditions and no experimental evidence demonstrating its impact on protein function have been reported. ClinVar contains an entry for this variant (Variation ID: 3935484). Based on the evidence outlined above, the variant was classified as uncertain significance.

Ambry Genetics
Classification: Likely benign for Inborn genetic diseases. Last evaluated: 2025-03-28. Review status: criteria provided, single submitter. Criteria: Ambry Variant Classification Scheme 2023. Collection method: clinical testing. Allele origin: germline.

NM_015100.4(POGZ):c.928A>G (p.Thr310Ala)

Gene: POGZ (pogo transposable element derived with ZNF domain; minus strand). Cytogenetic location: 1q21.3.
Variant type: single nucleotide variant.
Coding change: c.928A>G on transcript NM_015100.4 (MANE Select); coding-DNA position 928, A replaced by G.
Protein change: p.Thr310Ala; replaces threonine 310 with alanine.
Molecular consequence: missense variant.
Genome position (GRCh38, 1-based): chr1:151,427,973, T>C on the plus strand (A>G on the coding strand, the complement: POGZ is on the minus strand). VCF-style: chr1-151427973-T-C. GRCh37 (hg19) VCF-style: chr1-151400449-T-C.
Other names: c.901A>G, p.Thr301Ala (NM_001194937.2); c.742A>G, p.Thr248Ala (NM_001194938.2); c.949A>G, p.Thr317Ala (NM_001410860.1); c.643A>G, p.Thr215Ala (NM_145796.4); c.769A>G, p.Thr257Ala (NM_207171.2); short protein forms T248A, T257A, T310A, T215A, T301A, T317A.
Identifiers: ClinVar variation 3935484 (VCV003935484.2).
Genomic context (GRCh38, chr1:151,427,973, plus strand): 5'-GGGAAGGGATGGTGTTAAGGGTATTCACCAATTTGGCCACTTCATTGCTATTTTCGCCTG[T>C]AACACCAGGTCGCTTCACAGTGACAAAGCTGGCAATGCTCACTGCAGGTGGAGAGGGGAA-3'
Protein context (NP_055915.2, residues 300-320): SFVTVKRPGV[Thr310Ala]GENSNEVAKL